The following is an entry in ClinVar:

NM_000059.4(BRCA2):c.9874C>G (p.Pro3292Ala)

Gene: BRCA2 (BRCA2 DNA repair associated; plus strand). Cytogenetic location: 13q13.1.
Variant type: single nucleotide variant.
Coding change: c.9874C>G on transcript NM_000059.4 (MANE Select); coding-DNA position 9874, C replaced by G.
Protein change: p.Pro3292Ala; replaces proline 3292 with alanine.
Molecular consequence: missense variant.
Genome position (GRCh38, 1-based): chr13:32,398,387, C>G. VCF-style: chr13-32398387-C-G. GRCh37 (hg19) VCF-style: chr13-32972524-C-G.
Other names: short protein forms P3292A.
Identifiers: ClinVar variation 665675 (VCV000665675.9), dbSNP rs876660917, ClinGen allele CA387766668.

ClinVar aggregate classification (germline): Uncertain significance. Review status: criteria provided, multiple submitters, no conflicts (2 of 4 stars). 3 submissions from 3 submitters: Uncertain significance (3). Last evaluated 2024-06-22.

Conditions:
BRCA2-related cancer predisposition. Identifiers: MedGen CN377758, MONDO:0700269.
Hereditary breast ovarian cancer syndrome. Also called: BRCA1- and BRCA2-Associated Hereditary Breast and Ovarian Cancer; Breast and ovarian cancer; Hereditary breast and ovarian cancer syndrome (HBOC); Hereditary breast and ovarian cancer; Hereditary breast and ovarian cancer syndrome; Hereditary breast and/or ovarian cancer syndrome. Identifiers: Orphanet 145, MedGen C0677776, MeSH D061325, MONDO:0003582. Disease mechanism: loss of function.

Submissions (3):

Labcorp Genetics (formerly Invitae), Labcorp
Classification: Uncertain significance for Hereditary breast ovarian cancer syndrome. Last evaluated: 2024-06-22. Review status: criteria provided, single submitter. Criteria: Invitae Variant Classification Sherloc (09022015). Collection method: clinical testing. Allele origin: germline.
Comment: This sequence change replaces proline, which is neutral and non-polar, with alanine, which is neutral and non-polar, at codon 3292 of the BRCA2 protein (p.Pro3292Ala). This variant is not present in population databases (gnomAD no frequency). This variant has not been reported in the literature in individuals affected with BRCA2-related conditions. ClinVar contains an entry for this variant (Variation ID: 665675). Advanced modeling of protein sequence and biophysical properties (such as structural, functional, and spatial information, amino acid conservation, physicochemical variation, residue mobility, and thermodynamic stability) performed at Invitae indicates that this missense variant is not expected to disrupt BRCA2 protein function with a negative predictive value of 95%. In summary, the available evidence is currently insufficient to determine the role of this variant in disease. Therefore, it has been classified as a Variant of Uncertain Significance.

All of Us Research Program, National Institutes of Health
Classification: Uncertain significance for BRCA2-related cancer predisposition. Last evaluated: 2024-02-22. Review status: criteria provided, single submitter. Criteria: ACMG Guidelines, 2015. Collection method: clinical testing. Allele origin: germline. Inheritance: Autosomal dominant inheritance. Observed: 1 variant allele, 1 heterozygote.
Comment: This missense variant replaces proline with alanine at codon 3292 of the BRCA2 protein. Computational prediction suggests that this variant may not impact protein structure and function (internally defined REVEL score threshold <= 0.5, PMID: 27666373). To our knowledge, functional studies have not been reported for this variant. This variant has not been reported in individuals affected with hereditary cancer in the literature. This variant has not been identified in the general population by the Genome Aggregation Database (gnomAD). The available evidence is insufficient to determine the role of this variant in disease conclusively. Therefore, this variant is classified as a Variant of Uncertain Significance.

This study involves interpretation of variants in research participants for the purpose of population health screening. Participant phenotype was not available at the time of variant classification. Additional details can be found in publication PMID: 35346344, PMCID: PMC8962531

Women's Health and Genetics/Laboratory Corporation of America, LabCorp
Classification: Uncertain significance. Last evaluated: 2019-05-06. Review status: criteria provided, single submitter. Criteria: LabCorp Variant Classification Summary - May 2015. Collection method: clinical testing. Allele origin: germline.
Comment: Variant summary: BRCA2 c.9874C>G (p.Pro3292Ala) results in a non-conservative amino acid change in the encoded protein sequence. Four of five in-silico tools predict a damaging effect of the variant on protein function. The variant was absent in 251176 control chromosomes (gnomAD). The available data on variant occurrences in the general population are insufficient to allow any conclusion about variant significance. To our knowledge, no occurrence of c.9874C>G in individuals affected with Hereditary Breast and Ovarian Cancer and no experimental evidence demonstrating its impact on protein function have been reported. No clinical diagnostic laboratories have submitted clinical-significance assessments for this variant to ClinVar after 2014. Based on the evidence outlined above, the variant was classified as uncertain significance.